The following is an entry in ClinVar:

NC_000004.11:g.(?_55524172)_(55604733_?)dup

Gene: KIT (KIT proto-oncogene, receptor tyrosine kinase; plus strand). Cytogenetic location: 4q12.
Variant type: Duplication.
Identifiers: ClinVar variation 650700 (VCV000650700.2).

ClinVar aggregate classification (germline): Uncertain significance (1 of 4 stars; one submission).

Conditions:
Gastrointestinal stromal tumor. Also called: Gastrointestinal stromal tumor, somatic; Gastrointestinal stroma tumor. Identifiers: Orphanet 44890, MedGen C0238198, MeSH D046152, MONDO:0011719, OMIM 606764, HP:0100723.

Submission:

Labcorp Genetics (formerly Invitae), Labcorp
Classification: Uncertain significance for Gastrointestinal stroma tumor. Last evaluated: 2019-02-08. Review status: criteria provided, single submitter. Criteria: Invitae Variant Classification Sherloc (09022015). Collection method: clinical testing. Allele origin: germline.
Comment: This variant results in a copy number gain of the genomic region encompassing the full coding sequence of the KIT gene. The boundaries of this event are unknown as they extend beyond the assayed region for this gene and therefore may encompass additional genes. As the precise location of this event is unknown, it may be in tandem or it may be located elsewhere in the genome. This variant has not been reported in the literature in individuals with KIT-related disease. In summary, the available evidence is currently insufficient to determine the role of this variant in disease. Therefore, it has been classified as a Variant of Uncertain Significance.